The following is an entry in ClinVar:

NM_001942.4(DSG1):c.760G>A (p.Glu254Lys)

Gene: DSG1 (desmoglein 1; plus strand). Cytogenetic location: 18q12.1.
Variant type: single nucleotide variant.
Coding change: c.760G>A on transcript NM_001942.4 (MANE Select); coding-DNA position 760, G replaced by A.
Protein change: p.Glu254Lys; replaces glutamic acid 254 with lysine.
Molecular consequence: missense variant.
Genome position (GRCh38, 1-based): chr18:31,333,664, G>A. VCF-style: chr18-31333664-G-A. GRCh37 (hg19) VCF-style: chr18-28913627-G-A.
Other names: short protein forms E254K.
Identifiers: ClinVar variation 1362200 (VCV001362200.8), dbSNP rs1412881153, ClinGen allele CA402130334.

ClinVar aggregate classification (germline): Uncertain significance (1 of 4 stars; one submission).

Allele frequency attached by ClinVar (database versions not stated): TOPMed 0.00001; gnomAD exomes 0.00001; gnomAD 0.00001.
gnomAD v4.1: 21 of 1,613,690 alleles (0.0013%); highest among the groups gnomAD compares: African/African-American, 0.004%; no homozygotes.

Submission:

Labcorp Genetics (formerly Invitae), Labcorp
Classification: Uncertain significance. Last evaluated: 2025-10-16. Review status: criteria provided, single submitter. Criteria: Invitae Variant Classification Sherloc (09022015). Collection method: clinical testing. Allele origin: germline.
Comment: This sequence change replaces glutamic acid, which is acidic and polar, with lysine, which is basic and polar, at codon 254 of the DSG1 protein (p.Glu254Lys). This variant is present in population databases (no rsID available, gnomAD 0.007%). This variant has not been reported in the literature in individuals affected with DSG1-related conditions. ClinVar contains an entry for this variant (Variation ID: 1362200). Invitae Evidence Modeling of protein sequence and biophysical properties (such as structural, functional, and spatial information, amino acid conservation, physicochemical variation, residue mobility, and thermodynamic stability) indicates that this missense variant is not expected to disrupt DSG1 protein function with a negative predictive value of 80%. Algorithms developed to predict the effect of sequence changes on RNA splicing suggest that this variant may create or strengthen a splice site. In summary, the available evidence is currently insufficient to determine the role of this variant in disease. Therefore, it has been classified as a Variant of Uncertain Significance.